The following is an entry in ClinVar:

ClinVar aggregate classification (germline): Uncertain significance (1 of 4 stars; one submission).

Conditions:
Inborn genetic diseases. Identifiers: MedGen C0950123, MeSH D030342.

Submission:

Ambry Genetics
Classification: Uncertain significance for Inborn genetic diseases. Last evaluated: 2023-11-03. Review status: criteria provided, single submitter. Criteria: Ambry Variant Classification Scheme 2023. Collection method: clinical testing. Allele origin: germline.
Comment: The p.A11V variant (also known as c.32C>T), located in coding exon 1 of the RAD51 gene, results from a C to T substitution at nucleotide position 32. The alanine at codon 11 is replaced by valine, an amino acid with similar properties. This amino acid position is conserved. In addition, this alteration is predicted to be tolerated by in silico analysis. Since supporting evidence is limited at this time, the clinical significance of this alteration remains unclear.

NM_002875.5(RAD51):c.32C>T (p.Ala11Val)

Gene: RAD51 (RAD51 recombinase; plus strand). Cytogenetic location: 15q15.1.
Variant type: single nucleotide variant.
Coding change: c.32C>T on transcript NM_002875.5 (MANE Select); coding-DNA position 32, C replaced by T.
Protein change: p.Ala11Val; replaces alanine 11 with valine.
Molecular consequence: missense variant.
Genome position (GRCh38, 1-based): chr15:40,698,790, C>T. VCF-style: chr15-40698790-C-T. GRCh37 (hg19) VCF-style: chr15-40990988-C-T.
Other names: c.32C>T, p.Ala11Val (NM_001164269.2, NM_001164270.2, NM_133487.4); short protein forms A11V.
Identifiers: ClinVar variation 3222848 (VCV003222848.1), dbSNP rs1286692919, ClinGen allele CA391744191.